The following is an entry in ClinVar:

ClinVar aggregate classification (germline): Uncertain significance (1 of 4 stars; one submission).

Conditions:
Hypertrophic cardiomyopathy 19. Also called: Familial hypertrophic cardiomyopathy 19. Identifiers: MedGen CN077603, MONDO:0013476.

gnomAD v4.1: 1 of 1,614,012 alleles (0.000062%); highest among the groups gnomAD compares: Non-Finnish European, 0.000085%; no homozygotes.

Submission:

Labcorp Genetics (formerly Invitae), Labcorp
Classification: Uncertain significance for Hypertrophic cardiomyopathy 19. Last evaluated: 2025-09-29. Review status: criteria provided, single submitter. Criteria: Invitae Variant Classification Sherloc (09022015). Collection method: clinical testing. Allele origin: germline.
Comment: This sequence change replaces leucine, which is neutral and non-polar, with valine, which is neutral and non-polar, at codon 205 of the CALR3 protein (p.Leu205Val). This variant is not present in population databases (gnomAD no frequency). This variant has not been reported in the literature in individuals affected with CALR3-related conditions. Invitae Evidence Modeling of protein sequence and biophysical properties (such as structural, functional, and spatial information, amino acid conservation, physicochemical variation, residue mobility, and thermodynamic stability) indicates that this missense variant is not expected to disrupt CALR3 protein function with a negative predictive value of 80%. In summary, the available evidence is currently insufficient to determine the role of this variant in disease. Therefore, it has been classified as a Variant of Uncertain Significance.

NM_145046.5(CALR3):c.613C>G (p.Leu205Val)

Gene: CALR3 (calreticulin 3; minus strand). Cytogenetic location: 19p13.11.
Variant type: single nucleotide variant.
Coding change: c.613C>G on transcript NM_145046.5 (MANE Select); coding-DNA position 613, C replaced by G.
Protein change: p.Leu205Val; replaces leucine 205 with valine.
Molecular consequence: missense variant.
Genome position (GRCh38, 1-based): chr19:16,483,995, G>C on the plus strand (C>G on the coding strand, the complement: CALR3 is on the minus strand). VCF-style: chr19-16483995-G-C. GRCh37 (hg19) VCF-style: chr19-16594806-G-C.
Other names: short protein forms L205V.
Identifiers: ClinVar variation 4741206 (VCV004741206.1).